The following is an entry in ClinVar:

NM_001291303.3(FAT4):c.10940A>G (p.Asp3647Gly)

Gene: FAT4 (FAT atypical cadherin 4; plus strand). Cytogenetic location: 4q28.1.
Variant type: single nucleotide variant.
Coding change: c.10940A>G on transcript NM_001291303.3 (MANE Select); coding-DNA position 10940, A replaced by G.
Protein change: p.Asp3647Gly; replaces aspartic acid 3647 with glycine.
Molecular consequence: missense variant.
Genome position (GRCh38, 1-based): chr4:125,451,950, A>G. VCF-style: chr4-125451950-A-G. GRCh37 (hg19) VCF-style: chr4-126373105-A-G.
Other names: c.10940A>G, p.Asp3647Gly (NM_001291285.3); c.10934A>G, p.Asp3645Gly (NM_024582.6); c.10934A>G (NM_024582.5, NM_024582.4); short protein forms D3647G, D3645G.
Identifiers: ClinVar variation 1462452 (VCV001462452.7), dbSNP rs780015426, ClinGen allele CA3073763.
Genomic context (GRCh38, chr4:125,451,950, plus strand): 5'-GTAACTTGTTTCCCGGTGGGATTTTAGGCTCTGTGAAGCCACAGGATCCAGATGTGTTAG[A>G]CAGCTTCCACTGCTCCCTTACTTCAGGAGTTACCAGCCTCTTCAGTATTCCAGGGGGTAC-3'
Protein context (NP_001278232.1, residues 3637-3657): SVKPQDPDVL[Asp3647Gly]SFHCSLTSGV

ClinVar aggregate classification (germline): Uncertain significance. Review status: criteria provided, multiple submitters, no conflicts (2 of 4 stars). 4 submissions from 4 submitters: Uncertain significance (4). Last evaluated 2025-08-25.

Conditions:
Inborn genetic diseases. Identifiers: MedGen C0950123, MeSH D030342.
Van Maldergem syndrome 2 (VMLDS2). Identifiers: Orphanet 314679, MedGen C3809875, MONDO:0014242, OMIM 615546.
Hennekam lymphangiectasia-lymphedema syndrome 2 (HKLLS2). Identifiers: Orphanet 2136, MedGen C4014939, MONDO:0014454, OMIM 616006.

Allele frequency attached by ClinVar (database versions not stated): ExAC 0.00001; gnomAD 0.00002 and 0.00003; gnomAD exomes 0.00002 and 0.00003; TOPMed 0.00003.
gnomAD v4.1: 40 of 1,613,976 alleles (0.0025%); highest among the groups gnomAD compares: Non-Finnish European, 0.0032%; no homozygotes.

Submissions (4):

Ambry Genetics
Classification: Uncertain significance for Inborn genetic diseases. Last evaluated: 2025-08-25. Review status: criteria provided, single submitter. Criteria: Ambry Variant Classification Scheme 2023. Collection method: clinical testing. Allele origin: germline.

Fulgent Genetics
Classification: Uncertain significance for Van Maldergem syndrome 2; Hennekam lymphangiectasia-lymphedema syndrome 2. Last evaluated: 2024-04-23. Review status: criteria provided, single submitter. Criteria: ACMG Guidelines, 2015. Collection method: clinical testing. Allele origin: germline.

Women's Health and Genetics/Laboratory Corporation of America, LabCorp
Classification: Uncertain significance. Last evaluated: 2023-09-12. Review status: criteria provided, single submitter. Criteria: LabCorp Variant Classification Summary - May 2015. Collection method: clinical testing. Allele origin: germline.
Comment: Variant summary: FAT4 c.10934A>G (p.Asp3645Gly) results in a non-conservative amino acid change in the encoded protein sequence. Three of five in-silico tools predict a damaging effect of the variant on protein function. The variant allele was found at a frequency of 2e-05 in 250462 control chromosomes. The available data on variant occurrences in the general population are insufficient to allow any conclusion about variant significance. To our knowledge, no occurrence of c.10934A>G in individuals affected with FAT4-Related Disorders and no experimental evidence demonstrating its impact on protein function have been reported. One submitter has cited clinical-significance assessments for this variant to ClinVar after 2014 and has classified the variant as uncertain significance. Based on the evidence outlined above, the variant was classified as uncertain significance.

Labcorp Genetics (formerly Invitae), Labcorp
Classification: Uncertain significance. Last evaluated: 2022-08-13. Review status: criteria provided, single submitter. Criteria: Invitae Variant Classification Sherloc (09022015). Collection method: clinical testing. Allele origin: germline.
Comment: This sequence change replaces aspartic acid, which is acidic and polar, with glycine, which is neutral and non-polar, at codon 3645 of the FAT4 protein (p.Asp3645Gly). This variant is present in population databases (rs780015426, gnomAD 0.004%). This variant has not been reported in the literature in individuals affected with FAT4-related conditions. ClinVar contains an entry for this variant (Variation ID: 1462452). Advanced modeling of protein sequence and biophysical properties (such as structural, functional, and spatial information, amino acid conservation, physicochemical variation, residue mobility, and thermodynamic stability) performed at Invitae indicates that this missense variant is not expected to disrupt FAT4 protein function. In summary, the available evidence is currently insufficient to determine the role of this variant in disease. Therefore, it has been classified as a Variant of Uncertain Significance.